The following is an entry in ClinVar:

NM_181426.2(CCDC39):c.1528-2A>T

Gene: CCDC39 (coiled-coil domain 39 molecular ruler complex subunit; minus strand). Cytogenetic location: 3q26.33.
Variant type: single nucleotide variant.
Coding change: c.1528-2A>T on transcript NM_181426.2 (MANE Select); the canonical splice acceptor site of the intron before coding-DNA position 1528, A replaced by T.
Molecular consequence: splice acceptor variant.
Genome position (GRCh38, 1-based): chr3:180,644,259, T>A on the plus strand (A>T on the coding strand, the complement: CCDC39 is on the minus strand). VCF-style: chr3-180644259-T-A. GRCh37 (hg19) VCF-style: chr3-180362047-T-A.
Identifiers: ClinVar variation 2890956 (VCV002890956.3), dbSNP rs1432128768, ClinGen allele CA355309846.

ClinVar aggregate classification (germline): Pathogenic (1 of 4 stars; one submission).

Conditions:
Primary ciliary dyskinesia. Also called: Ciliary dyskinesia. Identifiers: Orphanet 244, MedGen C0008780, MONDO:0016575, HP:0012265.

Allele frequency attached by ClinVar (database versions not stated): gnomAD exomes below 0.00001.

Submission:

Labcorp Genetics (formerly Invitae), Labcorp
Classification: Pathogenic for Primary ciliary dyskinesia. Last evaluated: 2023-07-18. Review status: criteria provided, single submitter. Criteria: Invitae Variant Classification Sherloc (09022015). Collection method: clinical testing. Allele origin: germline.
Comment: This sequence change affects an acceptor splice site in intron 11 of the CCDC39 gene. It is expected to disrupt RNA splicing. Variants that disrupt the donor or acceptor splice site typically lead to a loss of protein function (PMID: 16199547), and loss-of-function variants in CCDC39 are known to be pathogenic (PMID: 21131972, 23255504). This variant is not present in population databases (gnomAD no frequency). Disruption of this splice site has been observed in individual(s) with primary ciliary dyskinesia (PMID: 32253119). Algorithms developed to predict the effect of sequence changes on RNA splicing suggest that this variant may disrupt the consensus splice site. For these reasons, this variant has been classified as Pathogenic.

Literature cited by the submitters: PubMed 16199547; PubMed 21131972; PubMed 23255504; PubMed 32253119.